The following is an entry in ClinVar:

NM_001844.5(COL2A1):c.3623del (p.Pro1208fs)

Gene: COL2A1 (collagen type II alpha 1 chain; minus strand). Cytogenetic location: 12q13.11.
Variant type: Deletion.
Coding change: c.3623del on transcript NM_001844.5 (MANE Select); coding-DNA position 3623, one base deleted (C; older notation c.3623delC).
Protein change: p.Pro1208fs; shifts the reading frame from proline 1208.
Molecular consequence: frameshift variant.
Genome position (GRCh38, 1-based): chr12:47,975,580, G deleted on the plus strand (C on the coding strand, the reverse complement: COL2A1 is on the minus strand); the first of 5 consecutive G bases (chr12:47,975,580-47,975,584); deleting any one gives the same sequence. VCF-style (leftmost placement, unchanged base first): chr12-47975579-AG-A. GRCh37 (hg19) VCF-style: chr12-48369362-AG-A.
Other names: c.3416del, p.Pro1139fs (NM_033150.3); c.3623delC (NM_001844.4); short protein forms P1139fs, P1208fs.
Identifiers: ClinVar variation 1076165 (VCV001076165.10), dbSNP rs2136512528, ClinGen allele CA2499221651.
Genomic context (GRCh38, chr12:47,975,579, plus strand): 5'-CGGGCCTAAGCCAGCAAAGGCGGACATGTCGATGCCAGGGCCAGGGGGACCTGGAGGACC[AG>A]GGGGTCCAGGATTTCCAGGAGGACCCTGCAGCAGGAAACAGAGAGATCAGCCAGGATTGT-3'

ClinVar aggregate classification (germline): Pathogenic. Review status: criteria provided, single submitter (1 of 4 stars). 2 submissions from 2 submitters: Pathogenic (1). 1 of the submissions does not count toward it. Last evaluated 2022-10-02.

Conditions:
COL2A1-related disorder. Also called: COL2A1-related condition; COL2A1-related disorders.

Submissions (2):

Labcorp Genetics (formerly Invitae), Labcorp
Classification: Pathogenic. Last evaluated: 2022-10-02. Review status: criteria provided, single submitter. Criteria: Invitae Variant Classification Sherloc (09022015). Collection method: clinical testing. Allele origin: germline.
Comment: For these reasons, this variant has been classified as Pathogenic. ClinVar contains an entry for this variant (Variation ID: 1076165). This premature translational stop signal has been observed in individual(s) with clinical features of Stickler syndrome (PMID: 20179744). This variant is not present in population databases (gnomAD no frequency). This sequence change creates a premature translational stop signal (p.Pro1208Leufs*19) in the COL2A1 gene. It is expected to result in an absent or disrupted protein product. Loss-of-function variants in COL2A1 are known to be pathogenic (PMID: 20179744).

PreventionGenetics, part of Exact Sciences
Classification: Pathogenic for COL2A1-related condition. Last evaluated: 2024-08-28. Review status: no assertion criteria provided. Collection method: clinical testing. Allele origin: germline. Not counted in ClinVar's aggregate classification.
Comment: The COL2A1 c.3623delC variant is predicted to result in a frameshift and premature protein termination (p.Pro1208Leufs*19). This variant was reported in an individual with Stickler syndrome (Hoornaert et al. 2010. PubMed ID: 20179744). This variant has not been reported in a large population database, indicating this variant is rare. Frameshift variants in COL2A1 are expected to be pathogenic. This variant is interpreted as pathogenic.

Literature cited by the submitters: PubMed 20179744 (cited by Labcorp Genetics (formerly Invitae), Labcorp).